The following is an entry in ClinVar:

ClinVar aggregate classification (germline): Likely benign. Review status: criteria provided, multiple submitters, no conflicts (2 of 4 stars). 2 submissions from 2 submitters: Likely benign (2). Last evaluated 2026-07-01.

Submissions (2):

CeGaT Center for Human Genetics Tuebingen
Classification: Likely benign. Last evaluated: 2026-07-01. Review status: criteria provided, single submitter. Criteria: CeGaT Center For Human Genetics Tuebingen Variant Classification Criteria Version 2. Collection method: clinical testing. Allele origin: germline. Affected: yes. Observed: 2 variant alleles.
Comment: DSPP: BP4, BP7

Blueprint Genetics
Classification: Likely benign. Last evaluated: 2024-06-25. Review status: criteria provided, single submitter. Criteria: ACMG Guidelines, 2015. Collection method: clinical testing. Allele origin: germline.

NM_014208.3(DSPP):c.3633T>C (p.Ser1211=)

Genes: DMP1-AS1 (DMP1 and DSPP antisense RNA 1; minus strand), DSPP (dentin sialophosphoprotein; plus strand). Cytogenetic location: 4q22.1.
Variant type: single nucleotide variant.
Coding change: c.3633T>C on transcript NM_014208.3 (MANE Select); coding-DNA position 3633, T replaced by C.
Protein change: p.Ser1211=; no amino-acid change (serine 1211 retained).
Molecular consequence: synonymous variant.
Genome position (GRCh38, 1-based): chr4:87,616,295, T>C. VCF-style: chr4-87616295-T-C. GRCh37 (hg19) VCF-style: chr4-88537447-T-C.
Identifiers: ClinVar variation 4681278 (VCV004681278.6).